The following is an entry in ClinVar:

ClinVar aggregate classification (germline): Uncertain significance (1 of 4 stars; one submission).

Conditions:
Fanconi anemia (FA). Also called: Fanconi's anemia. Identifiers: Orphanet 84, MedGen C0015625, MeSH D005199, MONDO:0019391.

gnomAD v4.1: 1 of 1,157,338 alleles (0.000086%); no homozygotes.

Submission:

Labcorp Genetics (formerly Invitae), Labcorp
Classification: Uncertain significance for Fanconi anemia. Last evaluated: 2025-05-04. Review status: criteria provided, single submitter. Criteria: Invitae Variant Classification Sherloc (09022015). Collection method: clinical testing. Allele origin: germline.
Comment: This sequence change replaces lysine, which is basic and polar, with glutamic acid, which is acidic and polar, at codon 98 of the FANCB protein (p.Lys98Glu). This variant is not present in population databases (gnomAD no frequency). This variant has not been reported in the literature in individuals affected with FANCB-related conditions. ClinVar contains an entry for this variant (Variation ID: 1024854). Invitae Evidence Modeling of protein sequence and biophysical properties (such as structural, functional, and spatial information, amino acid conservation, physicochemical variation, residue mobility, and thermodynamic stability) indicates that this missense variant is not expected to disrupt FANCB protein function with a negative predictive value of 80%. In summary, the available evidence is currently insufficient to determine the role of this variant in disease. Therefore, it has been classified as a Variant of Uncertain Significance.

NM_001018113.3(FANCB):c.292A>G (p.Lys98Glu)

Gene: FANCB (FA complementation group B; minus strand). Cytogenetic location: Xp22.2.
Variant type: single nucleotide variant.
Coding change: c.292A>G on transcript NM_001018113.3 (MANE Select); coding-DNA position 292, A replaced by G.
Protein change: p.Lys98Glu; replaces lysine 98 with glutamic acid.
Molecular consequence: missense variant. On other transcripts: non-coding transcript variant (1).
Genome position (GRCh38, 1-based): chrX:14,865,219, T>C on the plus strand (A>G on the coding strand, the complement: FANCB is on the minus strand). VCF-style: chrX-14865219-T-C. GRCh37 (hg19) VCF-style: chrX-14883341-T-C.
Other names: c.292A>G, p.Lys98Glu (NM_001324162.2, NM_152633.4); short protein forms K98E.
Identifiers: ClinVar variation 1024854 (VCV001024854.8), dbSNP rs2092464184, ClinGen allele CA412444846.
Genomic context (GRCh38, chrX:14,865,219, plus strand): 5'-ATTTATTAGTACTGTGAAGGATTAGTAAAAAATATTCAAAAACATTATTCTTTTTATTTT[T>C]TTCTATCACAATGTAAGGGAGGTTAATTCCAGTTCTGAAATCTGACACACAGTTGCAACA-3'
Protein context (NP_001018123.1, residues 88-108): GINLPYIVIE[Lys98Glu]NKKNNVFEYF